The following is an entry in ClinVar:

ClinVar aggregate classification (germline): Benign. Review status: criteria provided, multiple submitters, no conflicts (2 of 4 stars). 3 submissions from 3 submitters: Benign (2). 1 of the submissions does not count toward it. Last evaluated 2026-04-01.

Conditions:
LRIG2-related disorder. Also called: LRIG2-related condition.

gnomAD v4.1: 25,549 of 1,614,138 alleles (1.6%); highest among the groups gnomAD compares: East Asian, 2%; 239 homozygotes.

Submissions (3):

CeGaT Center for Human Genetics Tuebingen
Classification: Benign. Last evaluated: 2026-04-01. Review status: criteria provided, single submitter. Criteria: CeGaT Center For Human Genetics Tuebingen Variant Classification Criteria Version 2. Collection method: clinical testing. Allele origin: germline. Affected: yes. Observed: 2 variant alleles.
Comment: LRIG2: BS1, BS2

Mayo Clinic Laboratories, Mayo Clinic
Classification: Benign. Last evaluated: 2025-08-06. Review status: criteria provided, single submitter. Criteria: ACMG Guidelines, 2015. Collection method: clinical testing. Allele origin: germline. Observed: 2 variant alleles.
Comment: BS1, BS2, BP4

PreventionGenetics, part of Exact Sciences
Classification: Benign for LRIG2-related condition. Last evaluated: 2024-06-07. Review status: no assertion criteria provided. Collection method: clinical testing. Allele origin: germline. Not counted in ClinVar's aggregate classification.
Comment: This variant is classified as benign based on ACMG/AMP sequence variant interpretation guidelines (Richards et al. 2015 PMID: 25741868, with internal and published modifications).

NM_014813.3(LRIG2):c.2265T>G (p.Asp755Glu)

Gene: LRIG2 (leucine rich repeats and immunoglobulin like domains 2; plus strand). Cytogenetic location: 1p13.2.
Variant type: single nucleotide variant.
Coding change: c.2265T>G on transcript NM_014813.3 (MANE Select); coding-DNA position 2265, T replaced by G.
Protein change: p.Asp755Glu; replaces aspartic acid 755 with glutamic acid.
Molecular consequence: missense variant.
Genome position (GRCh38, 1-based): chr1:113,114,611, T>G. VCF-style: chr1-113114611-T-G. GRCh37 (hg19) VCF-style: chr1-113657233-T-G.
Other names: p.Asp755Glu; c.1956T>G, p.Asp652Glu (NM_001312686.2); short protein forms D652E, D755E.
Identifiers: ClinVar variation 3352609 (VCV003352609.7).